The following is an entry in ClinVar:

ClinVar aggregate classification (germline): Uncertain significance (1 of 4 stars; one submission).

gnomAD v4.1: 10 of 1,613,686 alleles (0.00062%); highest among the groups gnomAD compares: South Asian, 0.011%; no homozygotes.

Submission:

Labcorp Genetics (formerly Invitae), Labcorp
Classification: Uncertain significance. Last evaluated: 2024-05-20. Review status: criteria provided, single submitter. Criteria: Invitae Variant Classification Sherloc (09022015). Collection method: clinical testing. Allele origin: germline.
Comment: This sequence change replaces proline, which is neutral and non-polar, with leucine, which is neutral and non-polar, at codon 150 of the TANGO2 protein (p.Pro150Leu). The frequency data for this variant in the population databases is considered unreliable, as metrics indicate poor data quality at this position in the gnomAD database. This variant has not been reported in the literature in individuals affected with TANGO2-related conditions. An algorithm developed to predict the effect of missense changes on protein structure and function (PolyPhen-2) suggests that this variant is likely to be disruptive. In summary, the available evidence is currently insufficient to determine the role of this variant in disease. Therefore, it has been classified as a Variant of Uncertain Significance.

NM_152906.7(TANGO2):c.449C>T (p.Pro150Leu)

Gene: TANGO2 (transport and golgi organization 2 homolog; plus strand). Cytogenetic location: 22q11.21.
Variant type: single nucleotide variant.
Coding change: c.449C>T on transcript NM_152906.7 (MANE Select); coding-DNA position 449, C replaced by T.
Protein change: p.Pro150Leu; replaces proline 150 with leucine.
Molecular consequence: missense variant. On other transcripts: non-coding transcript variant (4), intron variant (11).
Genome position (GRCh38, 1-based): chr22:20,056,011, C>T. VCF-style: chr22-20056011-C-T. GRCh37 (hg19) VCF-style: chr22-20043534-C-T.
Other names: c.572C>T, p.Pro191Leu (NM_001322141.2, NM_001322143.2, NM_001322144.2 and 2 more transcripts); c.449C>T, p.Pro150Leu (NM_001322142.2, NM_001283106.3, NM_001283116.3 and 2 more transcripts); c.347C>T, p.Pro116Leu (NM_001322146.2, NM_001322148.2, NM_001322160.2); c.155C>T, p.Pro52Leu (NM_001322150.2, NM_001322153.2, NM_001322155.2 and 6 more transcripts); c.265+3427C>T (NM_001322163.2, NM_001283179.3, NM_001322167.2 and 4 more transcripts); c.388+3427C>T (NM_001322145.2, NM_001322147.2); c.380+2460C>T (NM_001283199.3); c.503+2460C>T (NM_001322149.2); short protein forms P116L, P150L, P191L, P52L.
Identifiers: ClinVar variation 3626227 (VCV003626227.2).